The following is an entry in ClinVar:

NM_015335.5(MED13L):c.1861A>G (p.Ile621Val)

Gene: MED13L (mediator complex subunit 13L; minus strand). Cytogenetic location: 12q24.21.
Variant type: single nucleotide variant.
Coding change: c.1861A>G on transcript NM_015335.5 (MANE Select); coding-DNA position 1861, A replaced by G.
Protein change: p.Ile621Val; replaces isoleucine 621 with valine.
Molecular consequence: missense variant.
Genome position (GRCh38, 1-based): chr12:116,008,552, T>C on the plus strand (A>G on the coding strand, the complement: MED13L is on the minus strand). VCF-style: chr12-116008552-T-C. GRCh37 (hg19) VCF-style: chr12-116446357-T-C.
Other names: short protein forms I621V.
Identifiers: ClinVar variation 2986673 (VCV002986673.3), dbSNP rs1166072333, ClinGen allele CA386895411.

ClinVar aggregate classification (germline): Uncertain significance (1 of 4 stars; one submission).

Conditions:
Dextro-looped transposition of the great arteries. Also called: Dextrotransposition of the great arteries. Identifiers: Orphanet 860, MedGen C3531771, MONDO:0019443, OMIM 608808, HP:0031348.

Allele frequency attached by ClinVar (database versions not stated): gnomAD exomes below 0.00001.
gnomAD v4.1: 1 of 1,614,006 alleles (0.000062%); highest among the groups gnomAD compares: South Asian, 0.0011%; no homozygotes.

Submission:

Labcorp Genetics (formerly Invitae), Labcorp
Classification: Uncertain significance for Dextro-looped transposition of the great arteries. Last evaluated: 2024-01-16. Review status: criteria provided, single submitter. Criteria: Invitae Variant Classification Sherloc (09022015). Collection method: clinical testing. Allele origin: germline.
Comment: This sequence change replaces isoleucine, which is neutral and non-polar, with valine, which is neutral and non-polar, at codon 621 of the MED13L protein (p.Ile621Val). This variant is not present in population databases (gnomAD no frequency). This variant has not been reported in the literature in individuals affected with MED13L-related conditions. Advanced modeling of protein sequence and biophysical properties (such as structural, functional, and spatial information, amino acid conservation, physicochemical variation, residue mobility, and thermodynamic stability) performed at Invitae indicates that this missense variant is not expected to disrupt MED13L protein function with a negative predictive value of 80%. In summary, the available evidence is currently insufficient to determine the role of this variant in disease. Therefore, it has been classified as a Variant of Uncertain Significance.